The following is an entry in ClinVar:

ClinVar aggregate classification (germline): Likely pathogenic. Review status: criteria provided, multiple submitters, no conflicts (2 of 4 stars). 6 submissions from 6 submitters: Likely pathogenic (4). 2 of the submissions do not count toward it. Last evaluated 2025-12-29.

Conditions:
CTC1-related disorder. Also called: CTC1-related condition.
Cerebroretinal microangiopathy with calcifications and cysts 1 (CRMCC1). Identifiers: Orphanet 313838, MedGen C4552029, MONDO:0024564, OMIM 612199.
Dyskeratosis congenita. Identifiers: Orphanet 1775, MedGen C0265965, MONDO:0015780.

Allele frequency attached by ClinVar (database versions not stated): ESP Exome Variant Server 0.00016; ExAC 0.00001; gnomAD 0.00001; gnomAD exomes 0.00001 and 0.00003; TOPMed 0.00003.
gnomAD v4.1: 56 of 1,613,058 alleles (0.0035%); highest among the groups gnomAD compares: Middle Eastern, 0.017%; no homozygotes.

Submissions (6):

Labcorp Genetics (formerly Invitae), Labcorp
Classification: Likely pathogenic for Dyskeratosis congenita. Last evaluated: 2025-12-29. Review status: criteria provided, single submitter. Criteria: Invitae Variant Classification Sherloc (09022015). Collection method: clinical testing. Allele origin: germline.
Comment: This sequence change replaces arginine, which is basic and polar, with tryptophan, which is neutral and slightly polar, at codon 840 of the CTC1 protein (p.Arg840Trp). This variant is present in population databases (rs373905859, gnomAD 0.007%). This missense change has been observed in individual(s) with cerebroretinal microangiopathy with calcifications and cysts type 1 (PMID: 22267198). In at least one individual the data is consistent with being in trans (on the opposite chromosome) from a pathogenic variant. It has also been observed to segregate with disease in related individuals. ClinVar contains an entry for this variant (Variation ID: 30999). Invitae Evidence Modeling of protein sequence and biophysical properties (such as structural, functional, and spatial information, amino acid conservation, physicochemical variation, residue mobility, and thermodynamic stability) indicates that this missense variant is not expected to disrupt CTC1 protein function with a negative predictive value of 80%. Experimental studies have shown that this missense change affects CTC1 function (PMID: 23869908, 24115768, 29228254, 29481669). In summary, the currently available evidence indicates that the variant is pathogenic, but additional data are needed to prove that conclusively. Therefore, this variant has been classified as Likely Pathogenic.

Blueprint Genetics
Classification: Likely pathogenic for CTC1-related disorders. Last evaluated: 2024-07-25. Review status: criteria provided, single submitter. Criteria: ACMG Guidelines, 2015. Collection method: clinical testing. Allele origin: germline. Affected: yes. Observed: 5 variant alleles.

Fulgent Genetics
Classification: Likely pathogenic for Cerebroretinal microangiopathy with calcifications and cysts 1. Last evaluated: 2024-05-05. Review status: criteria provided, single submitter. Criteria: ACMG Guidelines, 2015. Collection method: clinical testing. Allele origin: germline.

GeneDx
Classification: Likely pathogenic. Last evaluated: 2021-01-07. Review status: criteria provided, single submitter. Criteria: GeneDx Variant Classification Process June 2021. Collection method: clinical testing. Allele origin: germline. Affected: yes.
Comment: Published functional studies demonstrate a damaging effect of genome instability (Wang et al., 2018); Not observed at a significant frequency in large population cohorts (Lek et al., 2016); In silico analysis, which includes protein predictors and evolutionary conservation, supports a deleterious effect; Identified in siblings with Coats plus syndrome who harbored a missense variant on the opposite allele (in trans) (Anderson et al., 2012); This variant is associated with the following publications: (PMID: 22267198, 27239262, 29481669, 29228254, 24115768, 23869908)

OMIM
Classification: Pathogenic for CEREBRORETINAL MICROANGIOPATHY WITH CALCIFICATIONS AND CYSTS 1. Last evaluated: 2012-01-22. Review status: no assertion criteria provided. Collection method: literature only. Allele origin: germline. Not counted in ClinVar's aggregate classification.

Genome-Nilou Lab
Classification: Uncertain significance for Cerebroretinal microangiopathy with calcifications and cysts 1. Last evaluated: 2021-07-15. Review status: flagged submission. Criteria: ACMG Guidelines, 2015. Collection method: clinical testing. Allele origin: germline. Affected: no. Not counted in ClinVar's aggregate classification.
ClinVar note: Reason: Outlier claim with insufficient supporting evidence

Literature cited by the submitters: PubMed 22267198 (cited by Labcorp Genetics (formerly Invitae), Labcorp and OMIM); PubMed 23869908 (cited by Labcorp Genetics (formerly Invitae), Labcorp); PubMed 24115768 (cited by Labcorp Genetics (formerly Invitae), Labcorp); PubMed 29228254 (cited by Labcorp Genetics (formerly Invitae), Labcorp); PubMed 29481669 (cited by Labcorp Genetics (formerly Invitae), Labcorp).

NM_025099.6(CTC1):c.2518C>T (p.Arg840Trp)

Gene: CTC1 (CST telomere replication complex component 1; minus strand). Cytogenetic location: 17p13.1.
Variant type: single nucleotide variant.
Coding change: c.2518C>T on transcript NM_025099.6 (MANE Select); coding-DNA position 2518, C replaced by T.
Protein change: p.Arg840Trp; replaces arginine 840 with tryptophan.
Molecular consequence: missense variant. On other transcripts: non-coding transcript variant (1).
Genome position (GRCh38, 1-based): chr17:8,231,427, G>A on the plus strand (C>T on the coding strand, the complement: CTC1 is on the minus strand). VCF-style: chr17-8231427-G-A. GRCh37 (hg19) VCF-style: chr17-8134745-G-A.
Other names: short protein forms R840W.
Identifiers: ClinVar variation 30999 (VCV000030999.14), dbSNP rs373905859, ClinGen allele CA129611.